The following is an entry in ClinVar:

ClinVar aggregate classification (germline): Pathogenic (1 of 4 stars; one submission).

Submission:

CeGaT Center for Human Genetics Tuebingen
Classification: Pathogenic. Last evaluated: 2023-10-01. Review status: criteria provided, single submitter. Criteria: CeGaT Center For Human Genetics Tuebingen Variant Classification Criteria Version 2. Collection method: clinical testing. Allele origin: germline. Affected: yes. Observed: 1 variant allele.
Comment: CHD8: PVS1, PM2, PP4

NM_001170629.2(CHD8):c.5607del (p.Asp1870fs)

Gene: CHD8 (chromodomain helicase DNA binding protein 8; minus strand). Cytogenetic location: 14q11.2.
Variant type: Deletion.
Coding change: c.5607del on transcript NM_001170629.2 (MANE Select); coding-DNA position 5607, one base deleted (C; older notation c.5607delC).
Protein change: p.Asp1870fs; shifts the reading frame from aspartic acid 1870.
Molecular consequence: frameshift variant.
Genome position (GRCh38, 1-based): chr14:21,394,188, G deleted on the plus strand (C on the coding strand, the reverse complement: CHD8 is on the minus strand); the first of 6 consecutive G bases (chr14:21,394,188-21,394,193); deleting any one gives the same sequence. VCF-style (leftmost placement, unchanged base first): chr14-21394187-CG-C. GRCh37 (hg19) VCF-style: chr14-21862346-CG-C.
Other names: c.4770del, p.Asp1591fs (NM_020920.4); short protein forms D1591fs, D1870fs.
Identifiers: ClinVar variation 2644063 (VCV002644063.24), dbSNP rs774152851, ClinGen allele CA7090921.